The following is an entry in ClinVar:

NM_177972.3(TUB):c.566-16T>C

Genes: RIC3 (RIC3 acetylcholine receptor chaperone; minus strand), TUB (TUB bipartite transcription factor; plus strand). Cytogenetic location: 11p15.4.
Variant type: single nucleotide variant.
Coding change: c.566-16T>C on transcript NM_177972.3 (MANE Select); 16 bases into the intron before coding-DNA position 566, T replaced by C.
Molecular consequence: intron variant.
Genome position (GRCh38, 1-based): chr11:8,096,669, T>C. VCF-style: chr11-8096669-T-C. GRCh37 (hg19) VCF-style: chr11-8118216-T-C.
Other names: c.731-16T>C (NM_003320.5).
Identifiers: ClinVar variation 1912814 (VCV001912814.5), dbSNP rs755118979, ClinGen allele CA5871149.

ClinVar aggregate classification (germline): Uncertain significance (1 of 4 stars; one submission).

Allele frequency attached by ClinVar (database versions not stated): gnomAD 0.00003; TOPMed 0.00004; gnomAD exomes below 0.00001; ExAC 0.00001.
gnomAD v4.1: 8 of 1,539,174 alleles (0.00052%); highest among the groups gnomAD compares: African/African-American, 0.0095%; no homozygotes.

Submission:

Labcorp Genetics (formerly Invitae), Labcorp
Classification: Uncertain significance. Last evaluated: 2023-10-03. Review status: criteria provided, single submitter. Criteria: Invitae Variant Classification Sherloc (09022015). Collection method: clinical testing. Allele origin: germline.
Comment: This sequence change falls in intron 6 of the TUB gene. It does not directly change the encoded amino acid sequence of the TUB protein. This variant is present in population databases (rs755118979, gnomAD 0.02%). This variant has not been reported in the literature in individuals affected with TUB-related conditions. ClinVar contains an entry for this variant (Variation ID: 1912814). Algorithms developed to predict the effect of sequence changes on RNA splicing suggest that this variant may create or strengthen a splice site. In summary, the available evidence is currently insufficient to determine the role of this variant in disease. Therefore, it has been classified as a Variant of Uncertain Significance.